The following is an entry in ClinVar:

ClinVar aggregate classification (germline): Uncertain significance. Review status: criteria provided, multiple submitters, no conflicts (2 of 4 stars). 2 submissions from 2 submitters: Uncertain significance (2). Last evaluated 2025-12-04.

Conditions:
Inborn genetic diseases. Identifiers: MedGen C0950123, MeSH D030342.

Allele frequency attached by ClinVar (database versions not stated): gnomAD exomes 0.00003 and 0.00001; gnomAD 0.00006 and 0.00007; ExAC 0.00003; ESP Exome Variant Server 0.00015; 1000 Genomes Project 30x 0.00016; TOPMed 0.00005.
gnomAD v4.1: 29 of 1,613,974 alleles (0.0018%); highest among the groups gnomAD compares: Middle Eastern, 0.049%; 1 homozygote.

Submissions (2):

Ambry Genetics
Classification: Uncertain significance for Inborn genetic diseases. Last evaluated: 2025-12-04. Review status: criteria provided, single submitter. Criteria: Ambry Variant Classification Scheme 2023. Collection method: clinical testing. Allele origin: germline.

Labcorp Genetics (formerly Invitae), Labcorp
Classification: Uncertain significance. Last evaluated: 2022-06-20. Review status: criteria provided, single submitter. Criteria: Invitae Variant Classification Sherloc (09022015). Collection method: clinical testing. Allele origin: germline.
Comment: This sequence change replaces aspartic acid, which is acidic and polar, with asparagine, which is neutral and polar, at codon 613 of the CNGA3 protein (p.Asp613Asn). This variant is present in population databases (rs144627146, gnomAD 0.03%). In summary, the available evidence is currently insufficient to determine the role of this variant in disease. Therefore, it has been classified as a Variant of Uncertain Significance. Advanced modeling of protein sequence and biophysical properties (such as structural, functional, and spatial information, amino acid conservation, physicochemical variation, residue mobility, and thermodynamic stability) performed at Invitae indicates that this missense variant is expected to disrupt CNGA3 protein function. ClinVar contains an entry for this variant (Variation ID: 1045116). This variant has not been reported in the literature in individuals affected with CNGA3-related conditions.

NM_001298.3(CNGA3):c.1837G>A (p.Asp613Asn)

Gene: CNGA3 (cyclic nucleotide gated channel subunit alpha 3; plus strand). Cytogenetic location: 2q11.2.
Variant type: single nucleotide variant.
Coding change: c.1837G>A on transcript NM_001298.3 (MANE Select); coding-DNA position 1837, G replaced by A.
Protein change: p.Asp613Asn; replaces aspartic acid 613 with asparagine.
Molecular consequence: missense variant.
Genome position (GRCh38, 1-based): chr2:98,397,007, G>A. VCF-style: chr2-98397007-G-A. GRCh37 (hg19) VCF-style: chr2-99013470-G-A.
Other names: c.1783G>A, p.Asp595Asn (NM_001079878.2); c.1837G>A (NM_001298.2); short protein forms D613N, D595N.
Identifiers: ClinVar variation 1045116 (VCV001045116.10), dbSNP rs144627146, ClinGen allele CA1794100.
Genomic context (GRCh38, chr2:98,397,007, plus strand): 5'-GAAGCCAAGAAGGCCCTGGAGGAGAAAGGACGGCAGATCCTGATGAAAGACAACCTGATC[G>A]ATGAGGAGCTGGCCAGGGCGGGCGCGGACCCCAAGGACCTTGAGGAGAAAGTGGAGCAGC-3'
Protein context (NP_001289.1, residues 603-623): RQILMKDNLI[Asp613Asn]EELARAGADP